The following is an entry in ClinVar:

NM_000203.5(IDUA):c.757G>T (p.Gly253Cys)

Gene: IDUA (alpha-L-iduronidase; plus strand). Cytogenetic location: 4p16.3.
Variant type: single nucleotide variant.
Coding change: c.757G>T on transcript NM_000203.5 (MANE Select); coding-DNA position 757, G replaced by T.
Protein change: p.Gly253Cys; replaces glycine 253 with cysteine.
Molecular consequence: missense variant. On other transcripts: non-coding transcript variant (1).
Genome position (GRCh38, 1-based): chr4:1,001,846, G>T. VCF-style: chr4-1001846-G-T. GRCh37 (hg19) VCF-style: chr4-995634-G-T.
Other names: NM_000203.5(IDUA):c.757G>T; p.Gly253Cys; c.361G>T, p.Gly121Cys (NM_001363576.1); short protein forms G253C, G121C.
Identifiers: ClinVar variation 554213 (VCV000554213.21), dbSNP rs546933529, ClinGen allele CA2802076.

ClinVar aggregate classification (germline): Uncertain significance. Review status: reviewed by expert panel (3 of 4 stars). 8 submissions from 8 submitters: Uncertain significance (1). 7 of the submissions do not count toward it. Last evaluated 2026-03-02.

Conditions:
Inborn genetic diseases. Identifiers: MedGen C0950123, MeSH D030342.
Hurler syndrome. Also called: MUCOPOLYSACCHARIDOSIS TYPE IH; Gargoylism, Hurler Syndrome; Severe MPS I (Hurler Syndrome). Identifiers: Orphanet 93473, MedGen C0086795, MONDO:0011758, OMIM 607014.
IDUA-related disorder. Also called: IDUA-related condition.
Mucopolysaccharidosis type 1. Also called: IDUA deficiency; MPS I; Mucopolysaccharidosis Type I. Identifiers: Orphanet 579, MedGen C0023786, MONDO:0001586.

Allele frequency attached by ClinVar (database versions not stated): gnomAD 0.00001 and 0.00017; TOPMed 0.00003; gnomAD exomes 0.00027 and 0.00060; ExAC 0.00093; 1000 Genomes Project 30x 0.00203; 1000 Genomes Project 0.00240.
gnomAD v4.1: 427 of 1,599,278 alleles (0.027%); highest among the groups gnomAD compares: South Asian, 0.44%; 5 homozygotes.

Submissions (8):

ClinGen Lysosomal Storage Disorder Variant Curation Expert Panel
Classification: Uncertain significance for Mucopolysaccharidosis type 1. Last evaluated: 2026-03-02. Review status: reviewed by expert panel. Criteria: ClinGen LSD ACMG Specifications IDUA V1.2.0. Collection method: curation. Allele origin: germline. Inheritance: Autosomal recessive inheritance.
Comment: The NM_000203.4:c.757G>T variant in IDUA is a missense variant predicted to cause substitution of Glycine by Cysteine at amino acid 253 (p.Gly253Cys). This variant has been reported in one patient and one infant that was identified on newborn screening. The patient had clinical features specific to MPS I including dysostosis multiplex, hepatosplenomegaly, and corneal involvement (PMID: 27146977). The infant had documented IDUA deficiency within the affected range in leukocytes (PMID: 37516270) (PP4). This patient was homozygous for the variant (0.5 points). In addition, one infant identified by newborn screen (affected status unclear), was compound heterozygous for the variant and c.250G>A (p.Gly48Ser) (ClinVarID: 726495). This variant is classified as a VUS in ClinVar but has not yet been classified by the ClinGen VCEP; 0.5 points. Two additional patients have been reported; one is compound heterozygous for the variant, confirmed in trans with a pathogenic variant in IDUA. The second patient is compound heterozygous, phase unconfirmed, for a different pathogenic variant in IDUA. Both patients had reduced IDUA activity, but not in the affected range, and normal urine GAGs. As the affected status of these patients is not clear, their allelic data was not counted towards PM3. Total 0.5 points (PM3_Supporting).The computational predictor REVEL gives a score of 0.812 which is above the threshold of 0.773, evidence that correlates with impact to IDUA function at the moderate level based on the specifications of the ClinGen Lysosomal Diseases VCEP (PMID: 36413997) (PP3_Moderate). The highest population minor allele frequency in gnomAD v4.1.0 is 0.004 (394/89280 alleles) in the South Asian population, which is higher than the ClinGen Lysosomal Diseases VCEP’s threshold for BS1 (>0.0025), and therefore meets this criterion (BS1). There are 5 homozygotes in the South Asian population. In summary, this variant currently meets the criteria to be classified as a variant of uncertain significance (VUS) for MPS I due to conflicting data, based on the ACMG/AMP criteria applied, as specified by the ClinGen Lysosomal Diseases Variant Curation Expert Panel (Specifications Version 1.2.0): PP4, PM3_supporting; PP3_moderate, BS1. (Classification approved by the ClinGen Lysosomal Diseases Variant Curation Expert Panel on March 2, 2026)

PreventionGenetics, part of Exact Sciences
Classification: Uncertain significance for IDUA-related condition. Last evaluated: 2026-05-27. Review status: criteria provided, single submitter. Criteria: ACMG Guidelines, 2015. Collection method: clinical testing. Allele origin: germline. Not counted in ClinVar's aggregate classification.
Comment: The IDUA c.757G>T variant is predicted to result in the amino acid substitution p.Gly253Cys. This variant was reported in the homozygous state in an individual with mucopolysaccharidosis I (Uttarilli et al. 2016. PubMed ID: 27146977). This variant is reported in 0.46% of alleles in individuals of South Asian descent in gnomAD, including 5 homozygotes in the more recent gnomAD v4.1.1 database. At this time, the clinical significance of this variant is uncertain due to the absence of conclusive functional and genetic evidence.

Labcorp Genetics (formerly Invitae), Labcorp
Classification: Likely benign for Mucopolysaccharidosis type 1. Last evaluated: 2026-01-25. Review status: criteria provided, single submitter. Criteria: Invitae Variant Classification Sherloc (09022015). Collection method: clinical testing. Allele origin: germline. Not counted in ClinVar's aggregate classification.

Revvity Omics, Revvity
Classification: Uncertain significance. Last evaluated: 2024-05-03. Review status: criteria provided, single submitter. Criteria: ACMG Guidelines, 2015. Collection method: clinical testing. Allele origin: germline. Not counted in ClinVar's aggregate classification.

Women's Health and Genetics/Laboratory Corporation of America, LabCorp
Classification: Uncertain significance. Last evaluated: 2021-04-15. Review status: criteria provided, single submitter. Criteria: LabCorp Variant Classification Summary - May 2015. Collection method: clinical testing. Allele origin: germline. Not counted in ClinVar's aggregate classification.
Comment: Variant summary: IDUA c.757G>T (p.Gly253Cys) results in a non-conservative amino acid change in the encoded protein sequence. Five of five in-silico tools predict a damaging effect of the variant on protein function. The variant allele was found at a frequency of 0.0006 in 218446 control chromosomes, predominantly at a frequency of 0.0046 within the South Asian subpopulation in the gnomAD database. The observed variant frequency within South Asian control individuals in the gnomAD database is approximately 1.7 fold of the estimated maximal expected allele frequency for a pathogenic variant in IDUA causing Mucopolysaccharidosis Type 1 phenotype (0.0027), strongly suggesting that the variant is a benign polymorphism found primarily in populations of South Asian origin. c.757G>T has been reported in the literature in at least an individual (in homozygous state) affected with Mucopolysaccharidosis Type 1 - subtype Hurler-Scheie (Uttarilli_2016). No enzymatic activity was found from patient derived leucocytes who was homozygous for this variant of interest (Uttarilli_2016). Four ClinVar submitters (evaluation after 2014) cite the variant as uncertain significance (n=2) or likely benign (n=2). Based on the evidence outlined above, the variant was classified as uncertain significance.

Ambry Genetics
Classification: Uncertain significance for Inborn genetic diseases. Last evaluated: 2017-12-13. Review status: criteria provided, single submitter. Criteria: Ambry exome assertion method (8-5-2015). Collection method: clinical testing. Allele origin: germline. Affected: yes. Observed: 1 variant allele. Not counted in ClinVar's aggregate classification.

Natera, Inc.
Classification: Likely benign for Mucopolysaccharidosis type I. Last evaluated: 2020-06-08. Review status: no assertion criteria provided. Collection method: clinical testing. Allele origin: germline. Not counted in ClinVar's aggregate classification.

Counsyl
Classification: Uncertain significance for Hurler syndrome. Last evaluated: 2017-09-29. Review status: no assertion criteria provided. Collection method: clinical testing. Allele origin: unknown. Not counted in ClinVar's aggregate classification.

Literature cited by the submitters: PubMed 30903511 (cited by Women's Health and Genetics/Laboratory Corporation of America, LabCorp); PubMed 28676128 (cited by Women's Health and Genetics/Laboratory Corporation of America, LabCorp); PubMed 27146977 (cited by Women's Health and Genetics/Laboratory Corporation of America, LabCorp and Counsyl); PubMed 33686258 (cited by Women's Health and Genetics/Laboratory Corporation of America, LabCorp).